The following is an entry in ClinVar:

ClinVar aggregate classification (germline): Likely benign (1 of 4 stars; one submission).

Allele frequency attached by ClinVar (database versions not stated): gnomAD 0.00328 and 0.00351; ESP Exome Variant Server 0.00392; TOPMed 0.00415; 1000 Genomes Project 0.00479; 1000 Genomes Project 30x 0.00484.
gnomAD v4.1: 1,142 of 1,594,852 alleles (0.072%); highest among the groups gnomAD compares: African/African-American, 1.3%; 12 homozygotes.

Submission:

GeneDx
Classification: Likely benign. Last evaluated: 2018-06-14. Review status: criteria provided, single submitter. Criteria: GeneDx Variant Classification (06012015). Collection method: clinical testing. Allele origin: germline. Affected: yes.
Comment: This variant is considered likely benign or benign based on one or more of the following criteria: it is a conservative change, it occurs at a poorly conserved position in the protein, it is predicted to be benign by multiple in silico algorithms, and/or has population frequency not consistent with disease.

NM_153717.3(EVC):c.939+50G>A

Gene: EVC (EvC ciliary complex subunit 1; plus strand). Cytogenetic location: 4p16.2.
Variant type: single nucleotide variant.
Coding change: c.939+50G>A on transcript NM_153717.3 (MANE Select); 50 bases into the intron after coding-DNA position 939, G replaced by A.
Molecular consequence: intron variant.
Genome position (GRCh38, 1-based): chr4:5,745,391, G>A. VCF-style: chr4-5745391-G-A. GRCh37 (hg19) VCF-style: chr4-5747118-G-A.
Other names: c.939+50G>A (NM_001306090.2, NM_001306092.2).
Identifiers: ClinVar variation 676003 (VCV000676003.1), dbSNP rs144142557, ClinGen allele CA2835934.